The following is an entry in ClinVar:

NM_015072.5(TTLL5):c.2136+6G>C

Gene: TTLL5 (tubulin tyrosine ligase like 5; plus strand). Cytogenetic location: 14q24.3.
Variant type: single nucleotide variant.
Coding change: c.2136+6G>C on transcript NM_015072.5 (MANE Select); 6 bases into the intron after coding-DNA position 2136, G replaced by C.
Molecular consequence: intron variant.
Genome position (GRCh38, 1-based): chr14:75,771,860, G>C. VCF-style: chr14-75771860-G-C. GRCh37 (hg19) VCF-style: chr14-76238203-G-C.
Identifiers: ClinVar variation 677239 (VCV000677239.11), dbSNP rs45480992, ClinGen allele CA7279605.

ClinVar aggregate classification (germline): Benign. Review status: criteria provided, multiple submitters, no conflicts (2 of 4 stars). 3 submissions from 3 submitters: Benign (3). Last evaluated 2026-02-03.

Allele frequency attached by ClinVar (database versions not stated): 1000 Genomes Project 30x 0.08666; ExAC 0.11196; TOPMed 0.10627; ESP Exome Variant Server 0.10895; gnomAD exomes 0.11584; gnomAD 0.10133; 1000 Genomes Project 0.08307.
gnomAD v4.1: 205,054 of 1,606,520 alleles (13%); highest among the groups gnomAD compares: Non-Finnish European, 14%; 13,906 homozygotes.

Submissions (3):

Labcorp Genetics (formerly Invitae), Labcorp
Classification: Benign. Last evaluated: 2026-02-03. Review status: criteria provided, single submitter. Criteria: Invitae Variant Classification Sherloc (09022015). Collection method: clinical testing. Allele origin: germline.

GeneDx
Classification: Benign. Last evaluated: 2018-05-14. Review status: criteria provided, single submitter. Criteria: GeneDx Variant Classification (06012015). Collection method: clinical testing. Allele origin: germline. Affected: yes.
Comment: This variant is considered likely benign or benign based on one or more of the following criteria: it is a conservative change, it occurs at a poorly conserved position in the protein, it is predicted to be benign by multiple in silico algorithms, and/or has population frequency not consistent with disease.

Breakthrough Genomics
Classification: Benign. Review status: criteria provided, single submitter. Criteria: ACMG Guidelines, 2015. Collection method: not provided. Allele origin: germline. Inheritance: Autosomal recessive inheritance. Affected: yes.